The following is an entry in ClinVar:

ClinVar aggregate classification (germline): Uncertain significance (1 of 4 stars; one submission).

Conditions:
Bile acid conjugation defect 1. Also called: HYPERCHOLANEMIA, FAMILIAL 3. Identifiers: MedGen C5543203, MONDO:0030991, OMIM 619232.

Submission:

Neuberg Centre For Genomic Medicine, NCGM
Classification: Uncertain significance for Bile acid conjugation defect 1. Review status: criteria provided, single submitter. Criteria: ACMG Guidelines, 2015. Collection method: clinical testing. Allele origin: germline. Inheritance: Autosomal recessive inheritance. Affected: yes.
Comment: The observed missense variant c.697T>C(p.Ser233Pro) in BAAT gene has not been reported previously as a pathogenic variant nor as a benign variant, to our knowledge. The c.697T>C variant is absent in gnomAD Exomes. The amino acid Serine at position 233 is changed to a Proline changing protein sequence and it might alter its composition and physico-chemical properties. The variant is predicted to be damaging by SIFT. The amino acid change p.Ser233Pro in BAAT is predicted as conserved by GERP++ and PhyloP across 100 vertebrates. For these reasons, this variant has been classified as Uncertain Significance.

NM_001701.4(BAAT):c.697T>C (p.Ser233Pro)

Gene: BAAT (bile acid-CoA:amino acid N-acyltransferase; minus strand). Cytogenetic location: 9q31.1.
Variant type: single nucleotide variant.
Coding change: c.697T>C on transcript NM_001701.4 (MANE Select); coding-DNA position 697, T replaced by C.
Protein change: p.Ser233Pro; replaces serine 233 with proline.
Molecular consequence: missense variant.
Genome position (GRCh38, 1-based): chr9:101,362,988, A>G on the plus strand (T>C on the coding strand, the complement: BAAT is on the minus strand). VCF-style: chr9-101362988-A-G. GRCh37 (hg19) VCF-style: chr9-104125270-A-G.
Other names: c.697T>C, p.Ser233Pro (NM_001127610.2, NM_001374715.1); short protein forms S233P.
Identifiers: ClinVar variation 3242081 (VCV003242081.1), dbSNP rs554810939.